The following is an entry in ClinVar:

NM_001256545.2(MEGF10):c.1012G>A (p.Ala338Thr)

Gene: MEGF10 (multiple EGF like domains 10; plus strand). Cytogenetic location: 5q23.2.
Variant type: single nucleotide variant.
Coding change: c.1012G>A on transcript NM_001256545.2 (MANE Select); coding-DNA position 1012, G replaced by A.
Protein change: p.Ala338Thr; replaces alanine 338 with threonine.
Molecular consequence: missense variant.
Genome position (GRCh38, 1-based): chr5:127,410,483, G>A. VCF-style: chr5-127410483-G-A. GRCh37 (hg19) VCF-style: chr5-126746175-G-A.
Other names: c.1012G>A, p.Ala338Thr (NM_001308119.2, NM_001308121.2, NM_032446.3); short protein forms A338T.
Identifiers: ClinVar variation 539964 (VCV000539964.9), dbSNP rs568794084, ClinGen allele CA3391458.

ClinVar aggregate classification (germline): Uncertain significance. Review status: criteria provided, multiple submitters, no conflicts (2 of 4 stars). 2 submissions from 2 submitters: Uncertain significance (2). Last evaluated 2024-07-04.

Conditions:
MEGF10-related myopathy (CMYO10A). Also called: Congenital myopathy 10A, severe variant. Identifiers: Orphanet 439212, MedGen C3280679, MONDO:0013731, OMIM 614399.

Allele frequency attached by ClinVar (database versions not stated): gnomAD 0.00006 and 0.00007; TOPMed 0.00007; 1000 Genomes Project 30x 0.00016; 1000 Genomes Project 0.00020.
gnomAD v4.1: 77 of 1,614,148 alleles (0.0048%); highest among the groups gnomAD compares: Non-Finnish European, 0.0055%; no homozygotes.

Submissions (2):

Blueprint Genetics
Classification: Uncertain significance. Last evaluated: 2024-07-04. Review status: criteria provided, single submitter. Criteria: ACMG Guidelines, 2015. Collection method: clinical testing. Allele origin: germline.

Labcorp Genetics (formerly Invitae), Labcorp
Classification: Uncertain significance for MEGF10-related myopathy. Last evaluated: 2022-10-03. Review status: criteria provided, single submitter. Criteria: Invitae Variant Classification Sherloc (09022015). Collection method: clinical testing. Allele origin: germline.
Comment: This sequence change replaces alanine, which is neutral and non-polar, with threonine, which is neutral and polar, at codon 338 of the MEGF10 protein (p.Ala338Thr). This variant is present in population databases (rs568794084, gnomAD 0.01%). This variant has not been reported in the literature in individuals affected with MEGF10-related conditions. ClinVar contains an entry for this variant (Variation ID: 539964). Advanced modeling of protein sequence and biophysical properties (such as structural, functional, and spatial information, amino acid conservation, physicochemical variation, residue mobility, and thermodynamic stability) performed at Invitae indicates that this missense variant is not expected to disrupt MEGF10 protein function. In summary, the available evidence is currently insufficient to determine the role of this variant in disease. Therefore, it has been classified as a Variant of Uncertain Significance.